The following is an entry in ClinVar:

ClinVar aggregate classification (germline): Uncertain significance (1 of 4 stars; one submission).

Conditions:
Hereditary hyperekplexia. Identifiers: Orphanet 3197, MedGen C4084968, MONDO:0021022.

Submission:

Labcorp Genetics (formerly Invitae), Labcorp
Classification: Uncertain significance for Hereditary hyperekplexia. Last evaluated: 2024-12-24. Review status: criteria provided, single submitter. Criteria: Invitae Variant Classification Sherloc (09022015). Collection method: clinical testing. Allele origin: germline.
Comment: This sequence change replaces arginine, which is basic and polar, with proline, which is neutral and non-polar, at codon 150 of the GLRA1 protein (p.Arg150Pro). This variant is not present in population databases (gnomAD no frequency). This variant has not been reported in the literature in individuals affected with GLRA1-related conditions. ClinVar contains an entry for this variant (Variation ID: 582544). Invitae Evidence Modeling of protein sequence and biophysical properties (such as structural, functional, and spatial information, amino acid conservation, physicochemical variation, residue mobility, and thermodynamic stability) indicates that this missense variant is not expected to disrupt GLRA1 protein function with a negative predictive value of 80%. In summary, the available evidence is currently insufficient to determine the role of this variant in disease. Therefore, it has been classified as a Variant of Uncertain Significance.

NM_000171.4(GLRA1):c.449G>C (p.Arg150Pro)

Gene: GLRA1 (glycine receptor alpha 1; minus strand). Cytogenetic location: 5q33.1.
Variant type: single nucleotide variant.
Coding change: c.449G>C on transcript NM_000171.4 (MANE Select); coding-DNA position 449, G replaced by C.
Protein change: p.Arg150Pro; replaces arginine 150 with proline.
Molecular consequence: missense variant.
Genome position (GRCh38, 1-based): chr5:151,859,812, C>G on the plus strand (G>C on the coding strand, the complement: GLRA1 is on the minus strand). VCF-style: chr5-151859812-C-G. GRCh37 (hg19) VCF-style: chr5-151239373-C-G.
Other names: c.449G>C, p.Arg150Pro (NM_001146040.2); c.200G>C, p.Arg67Pro (NM_001292000.2); short protein forms R150P, R67P.
Identifiers: ClinVar variation 582544 (VCV000582544.3), dbSNP rs561848502, ClinGen allele CA361841240.